The following is an entry in ClinVar:

ClinVar aggregate classification (germline): Uncertain significance (1 of 4 stars; one submission).

Submission:

Labcorp Genetics (formerly Invitae), Labcorp
Classification: Uncertain significance. Last evaluated: 2024-10-01. Review status: criteria provided, single submitter. Criteria: Invitae Variant Classification Sherloc (09022015). Collection method: clinical testing. Allele origin: germline.
Comment: This sequence change replaces threonine, which is neutral and polar, with lysine, which is basic and polar, at codon 50 of the KIF23 protein (p.Thr50Lys). This variant is present in population databases (rs147272988, gnomAD 0.01%). This variant has not been reported in the literature in individuals affected with KIF23-related conditions. Invitae Evidence Modeling of protein sequence and biophysical properties (such as structural, functional, and spatial information, amino acid conservation, physicochemical variation, residue mobility, and thermodynamic stability) indicates that this missense variant is not expected to disrupt KIF23 protein function with a negative predictive value of 80%. In summary, the available evidence is currently insufficient to determine the role of this variant in disease. Therefore, it has been classified as a Variant of Uncertain Significance.

NM_001367805.3(KIF23):c.149C>A (p.Thr50Lys)

Gene: KIF23 (kinesin family member 23; plus strand). Cytogenetic location: 15q23.
Variant type: single nucleotide variant.
Coding change: c.149C>A on transcript NM_001367805.3 (MANE Select); coding-DNA position 149, C replaced by A.
Protein change: p.Thr50Lys; replaces threonine 50 with lysine.
Molecular consequence: missense variant. On other transcripts: non-coding transcript variant (2), 5 prime UTR variant (1).
Genome position (GRCh38, 1-based): chr15:69,417,450, C>A. VCF-style: chr15-69417450-C-A. GRCh37 (hg19) VCF-style: chr15-69709789-C-A.
Other names: c.149C>A, p.Thr50Lys (NM_004856.7, NM_138555.4, NM_001367804.2); c.-45C>A (NM_001281301.2); short protein forms T50K.
Identifiers: ClinVar variation 3703964 (VCV003703964.2).